The following is an entry in ClinVar:

NM_001567.4(INPPL1):c.1872C>A (p.Ser624Arg)

Gene: INPPL1 (inositol polyphosphate phosphatase like 1; plus strand). Cytogenetic location: 11q13.4.
Variant type: single nucleotide variant.
Coding change: c.1872C>A on transcript NM_001567.4 (MANE Select); coding-DNA position 1872, C replaced by A.
Protein change: p.Ser624Arg; replaces serine 624 with arginine.
Molecular consequence: missense variant.
Genome position (GRCh38, 1-based): chr11:72,232,895, C>A. VCF-style: chr11-72232895-C-A. GRCh37 (hg19) VCF-style: chr11-71943939-C-A.
Other names: short protein forms S624R.
Identifiers: ClinVar variation 838162 (VCV000838162.9), dbSNP rs750742358, ClinGen allele CA6170174.
Genomic context (GRCh38, chr11:72,232,895, plus strand): 5'-TCCGGAGGAATGTTTCTAGCCTTTGTGTCCTCCACCCCAGGAGATCCTGAACTACATCAG[C>A]AGGAAAGAGTTTGAGCCCCTCCTCAGGGTGGACCAGCTCAACCTGGAGCGGGAGAAGCAC-3'
Protein context (NP_001558.3, residues 614-634): MDIQEILNYI[Ser624Arg]RKEFEPLLRV

ClinVar aggregate classification (germline): Uncertain significance (1 of 4 stars; one submission).

Allele frequency attached by ClinVar (database versions not stated): ExAC 0.00002; gnomAD exomes 0.00002; gnomAD 0.00003; TOPMed 0.00003.
gnomAD v4.1: 54 of 1,614,036 alleles (0.0033%); highest among the groups gnomAD compares: Non-Finnish European, 0.0043%; no homozygotes.

Submission:

Labcorp Genetics (formerly Invitae), Labcorp
Classification: Uncertain significance. Last evaluated: 2022-01-18. Review status: criteria provided, single submitter. Criteria: Invitae Variant Classification Sherloc (09022015). Collection method: clinical testing. Allele origin: germline.
Comment: Algorithms developed to predict the effect of missense changes on protein structure and function are either unavailable or do not agree on the potential impact of this missense change (SIFT: "Tolerated"; PolyPhen-2: "Possibly Damaging"; Align-GVGD: "Class C0"). In summary, the available evidence is currently insufficient to determine the role of this variant in disease. Therefore, it has been classified as a Variant of Uncertain Significance. ClinVar contains an entry for this variant (Variation ID: 838162). This variant has not been reported in the literature in individuals affected with INPPL1-related conditions. This variant is present in population databases (rs750742358, gnomAD 0.006%). This sequence change replaces serine, which is neutral and polar, with arginine, which is basic and polar, at codon 624 of the INPPL1 protein (p.Ser624Arg).